The following is an entry in ClinVar:

ClinVar aggregate classification (germline): Uncertain significance (1 of 4 stars; one submission).

Conditions:
Hereditary cancer-predisposing syndrome. Also called: Neoplastic Syndromes, Hereditary; Tumor predisposition; Hereditary neoplastic syndrome; Hereditary Cancer Syndrome. Identifiers: Orphanet 140162, MedGen C0027672, MeSH D009386, MONDO:0015356.

Submission:

Ambry Genetics
Classification: Uncertain significance for Hereditary cancer-predisposing syndrome. Last evaluated: 2019-05-02. Review status: criteria provided, single submitter. Criteria: Ambry Variant Classification Scheme 2023. Collection method: clinical testing. Allele origin: germline.
Comment: The c.6866delT variant, located in coding exon 11 of the BRCA2 gene, results from a deletion of one nucleotide at nucleotide position 6866, causing a translational frameshift with a predicted alternate stop codon (p.L2289Yfs*2) in the reported isoform. However, coding exon 11 (also known as Exon 12 in the literature) is absent in a natural, in-frame isoform and this exon is also redundant based on clinical and functional studies (Fackenthal J et al. J Med Genet. 2016 Aug; 53(8):548-58; Li L et al. Hum Mutat. 2009 Nov; 30(11):1543-50). Alterations that result in premature protein truncation are typically deleterious in nature; however the occurrence of such alterations in exons that are absent in functional, alternate isoforms leads to the possibility that the alternate isoform can rescue the defect. As such, the clinical significance of this alteration remains unclear.

Literature cited by the submitters: PubMed 19795481; PubMed 27060066.

NM_000059.4(BRCA2):c.6866del (p.Leu2289fs)

Gene: BRCA2 (BRCA2 DNA repair associated; plus strand). Cytogenetic location: 13q13.1.
Variant type: Deletion.
Coding change: c.6866del on transcript NM_000059.4 (MANE Select); coding-DNA position 6866, one base deleted (T; older notation c.6866delT).
Protein change: p.Leu2289fs; shifts the reading frame from leucine 2289.
Molecular consequence: frameshift variant.
Genome position (GRCh38, 1-based): chr13:32,344,582, T deleted; the last of 2 consecutive T bases (chr13:32,344,581-32,344,582); deleting either gives the same sequence. VCF-style (leftmost placement, unchanged base first): chr13-32344580-CT-C. GRCh37 (hg19) VCF-style: chr13-32918717-CT-C.
Other names: short protein forms L2289fs.
Identifiers: ClinVar variation 826671 (VCV000826671.4), dbSNP rs1593912043, ClinGen allele CA915946858.